The following is an entry in ClinVar:

ClinVar aggregate classification (germline): Uncertain significance (1 of 4 stars; one submission).

Conditions:
Retinoblastoma (RB1). Also called: RETINOBLASTOMA, SOMATIC. Identifiers: Orphanet 790, MedGen C0035335, MeSH D012175, MONDO:0008380, OMIM 180200, HP:0009919. Disease mechanism: loss of function. Inheritance: Both sporadic and heritable forms are tested..

Submission:

Labcorp Genetics (formerly Invitae), Labcorp
Classification: Uncertain significance for Retinoblastoma. Last evaluated: 2025-05-21. Review status: criteria provided, single submitter. Criteria: Invitae Variant Classification Sherloc (09022015). Collection method: clinical testing. Allele origin: germline.
Comment: This variant occurs in a non-coding region of the RB1 gene. It does not change the encoded amino acid sequence of the RB1 protein. This variant is not present in population databases (gnomAD no frequency). This variant has not been reported in the literature in individuals affected with RB1-related conditions. Experimental studies and prediction algorithms are not available or were not evaluated, and the functional significance of this variant is currently unknown. In summary, the available evidence is currently insufficient to determine the role of this variant in disease. Therefore, it has been classified as a Variant of Uncertain Significance.

NM_000321.3(RB1):c.-49_-34dup

Gene: RB1 (RB transcriptional corepressor 1; plus strand). Cytogenetic location: 13q14.2.
Variant type: Duplication.
Coding change: c.-49_-34dup on transcript NM_000321.3 (MANE Select); 49 bases upstream of the start codon through 34 bases upstream of the start codon, 16 bases duplicated (TCCCCGGCGCTCCTCC).
Molecular consequence: 5 prime UTR variant.
Genome position (GRCh38, 1-based): chr13:48,303,864-48,303,879, TCCCCGGCGCTCCTCC duplicated; duplicating any 16 consecutive bases within chr13:48,303,861-48,303,879 gives the same sequence; the c. name uses the placement nearest the transcript's 3' end. VCF-style (leftmost placement, unchanged base first): chr13-48303860-G-GTCCTCCCCGGCGCTCC. GRCh37 (hg19) VCF-style: chr13-48877996-G-GTCCTCCCCGGCGCTCC.
Other names: c.-49_-34dup (NM_001407165.1, NM_001407166.1, NM_001407167.1).
Identifiers: ClinVar variation 4706388 (VCV004706388.1).
Genomic context (GRCh38, chr13:48,303,860, plus strand): 5'-AATTATTTTTGTAACGGGAGTCGGGAGAGGACGGGGCGTGCCCCGACGTGCGCGCGCGTC[G>GTCCTCCCCGGCGCTCC]TCCTCCCCGGCGCTCCTCCACAGCTCGCTGGCTCCCGCCGCGGAAAGGCGTCATGCCGCC-3'